The following is an entry in ClinVar:

ClinVar aggregate classification (germline): Uncertain significance (1 of 4 stars; one submission).

Submission:

Ambry Genetics
Classification: Uncertain significance. Last evaluated: 2025-02-22. Review status: criteria provided, single submitter. Criteria: Ambry Variant Classification Scheme 2023. Collection method: clinical testing. Allele origin: germline.
Comment: The p.M615V variant (also known as c.1843A>G), located in coding exon 16 of the A2ML1 gene, results from an A to G substitution at nucleotide position 1843. The methionine at codon 615 is replaced by valine, an amino acid with highly similar properties. This amino acid position is conserved. In addition, this alteration is predicted to be tolerated by in silico analysis. Based on the available evidence, the clinical significance of this variant remains unclear.

NM_144670.6(A2ML1):c.1843A>G (p.Met615Val)

Gene: A2ML1 (alpha-2-macroglobulin like 1; plus strand). Cytogenetic location: 12p13.31.
Variant type: single nucleotide variant.
Coding change: c.1843A>G on transcript NM_144670.6 (MANE Select); coding-DNA position 1843, A replaced by G.
Protein change: p.Met615Val; replaces methionine 615 with valine.
Molecular consequence: missense variant.
Genome position (GRCh38, 1-based): chr12:8,848,729, A>G. VCF-style: chr12-8848729-A-G. GRCh37 (hg19) VCF-style: chr12-9001325-A-G.
Other names: c.370A>G, p.Met124Val (NM_001282424.3); short protein forms M615V, M124V.
Identifiers: ClinVar variation 3851907 (VCV003851907.1).